The following is an entry in ClinVar:

ClinVar aggregate classification (germline): Uncertain significance (1 of 4 stars; one submission).

Conditions:
Autosomal recessive early-onset Parkinson disease 6 (PARK6). Also called: PARKINSON DISEASE 6, EARLY-ONSET; PINK1 Type of Young-Onset Parkinson Disease; PINK1-Related Parkinson Disease; PARKINSON DISEASE 6, MODIFIER OF. Identifiers: Orphanet 2828, MedGen C1853833, MONDO:0011613, OMIM 605909.

Allele frequency attached by ClinVar (database versions not stated): gnomAD exomes below 0.00001.
gnomAD v4.1: 2 of 1,577,400 alleles (0.00013%); highest among the groups gnomAD compares: Non-Finnish European, 0.00017%; no homozygotes.

Submission:

Labcorp Genetics (formerly Invitae), Labcorp
Classification: Uncertain significance for Autosomal recessive early-onset Parkinson disease 6. Last evaluated: 2022-05-10. Review status: criteria provided, single submitter. Criteria: Invitae Variant Classification Sherloc (09022015). Collection method: clinical testing. Allele origin: germline.
Comment: In summary, the available evidence is currently insufficient to determine the role of this variant in disease. Therefore, it has been classified as a Variant of Uncertain Significance. Algorithms developed to predict the effect of missense changes on protein structure and function are either unavailable or do not agree on the potential impact of this missense change (SIFT: "Tolerated"; PolyPhen-2: "Possibly Damaging"; Align-GVGD: "Class C0"). This variant has not been reported in the literature in individuals affected with PINK1-related conditions. This variant is not present in population databases (gnomAD no frequency). This sequence change replaces cysteine, which is neutral and slightly polar, with tryptophan, which is neutral and slightly polar, at codon 96 of the PINK1 protein (p.Cys96Trp).

NM_032409.3(PINK1):c.288C>G (p.Cys96Trp)

Gene: PINK1 (PTEN induced kinase 1; plus strand). Cytogenetic location: 1p36.12.
Variant type: single nucleotide variant.
Coding change: c.288C>G on transcript NM_032409.3 (MANE Select); coding-DNA position 288, C replaced by G.
Protein change: p.Cys96Trp; replaces cysteine 96 with tryptophan.
Molecular consequence: missense variant.
Genome position (GRCh38, 1-based): chr1:20,633,836, C>G. VCF-style: chr1-20633836-C-G. GRCh37 (hg19) VCF-style: chr1-20960329-C-G.
Other names: short protein forms C96W.
Identifiers: ClinVar variation 2160851 (VCV002160851.4), dbSNP rs2545245426, ClinGen allele CA338854099.